The following is an entry in ClinVar:

ClinVar aggregate classification (germline): Uncertain significance (1 of 4 stars; one submission).

Conditions:
Emery-Dreifuss muscular dystrophy 5, autosomal dominant (EDMD5). Also called: EMERY-DREIFUSS MUSCULAR DYSTROPHY 5. Identifiers: Orphanet 261, MedGen C2751805, MONDO:0013072, OMIM 612999.

gnomAD v4.1: 1 of 1,614,248 alleles (0.000062%); highest among the groups gnomAD compares: Non-Finnish European, 0.000085%; no homozygotes.

Submission:

Labcorp Genetics (formerly Invitae), Labcorp
Classification: Uncertain significance for Emery-Dreifuss muscular dystrophy 5, autosomal dominant. Last evaluated: 2023-11-03. Review status: criteria provided, single submitter. Criteria: Invitae Variant Classification Sherloc (09022015). Collection method: clinical testing. Allele origin: germline.
Comment: This sequence change replaces lysine, which is basic and polar, with glutamine, which is neutral and polar, at codon 5939 of the SYNE2 protein (p.Lys5939Gln). This variant is not present in population databases (gnomAD no frequency). This variant has not been reported in the literature in individuals affected with SYNE2-related conditions. An algorithm developed to predict the effect of missense changes on protein structure and function (PolyPhen-2) suggests that this variant is likely to be disruptive. In summary, the available evidence is currently insufficient to determine the role of this variant in disease. Therefore, it has been classified as a Variant of Uncertain Significance.

NM_182914.3(SYNE2):c.17815A>C (p.Lys5939Gln)

Gene: SYNE2 (spectrin repeat containing nuclear envelope protein 2; plus strand). Cytogenetic location: 14q23.2.
Variant type: single nucleotide variant.
Coding change: c.17815A>C on transcript NM_182914.3 (MANE Select); coding-DNA position 17815, A replaced by C.
Protein change: p.Lys5939Gln; replaces lysine 5939 with glutamine.
Molecular consequence: missense variant.
Genome position (GRCh38, 1-based): chr14:64,188,652, A>C. VCF-style: chr14-64188652-A-C. GRCh37 (hg19) VCF-style: chr14-64655370-A-C.
Other names: c.17815A>C, p.Lys5939Gln (NM_015180.6); short protein forms K5939Q.
Identifiers: ClinVar variation 2727760 (VCV002727760.3), dbSNP rs2549791466, ClinGen allele CA389992264.